The following is an entry in ClinVar:

ClinVar aggregate classification (germline): Likely pathogenic (1 of 4 stars; one submission).

Conditions:
Autosomal recessive limb-girdle muscular dystrophy type 2J (LGMDR10). Also called: Limb-girdle muscular dystrophy, type 2J; MUSCULAR DYSTROPHY, LIMB-GIRDLE, AUTOSOMAL RECESSIVE 10. Identifiers: Orphanet 140922, MedGen C1837342, MONDO:0012127, OMIM 608807.
Dilated cardiomyopathy 1G (CMD1G). Identifiers: Orphanet 154, MedGen C1858763, MONDO:0011400, OMIM 604145.

Submission:

Labcorp Genetics (formerly Invitae), Labcorp
Classification: Likely pathogenic for Dilated cardiomyopathy 1G; Autosomal recessive limb-girdle muscular dystrophy type 2J. Last evaluated: 2023-11-12. Review status: criteria provided, single submitter. Criteria: Invitae Variant Classification Sherloc (09022015). Collection method: clinical testing. Allele origin: germline.
Comment: This sequence change creates a premature translational stop signal (p.Gln8407*) in the TTN gene. While this is not anticipated to result in nonsense mediated decay, it is expected to create a truncated TTN protein. This variant is not present in population databases (gnomAD no frequency). This variant has not been reported in the literature in individuals affected with TTN-related conditions. This variant is located in the I band of TTN (PMID: 25589632). Truncating variants in this region have been reported in individuals affected with autosomal recessive centronuclear myopathy (PMID: 23975875). Truncating variants in this region have also been identified in individuals affected with autosomal dominant dilated cardiomyopathy and/or cardio-related conditions (PMID: 27869827, 32964742). In summary, the currently available evidence indicates that the variant is pathogenic, but additional data are needed to prove that conclusively. Therefore, this variant has been classified as Likely Pathogenic.

Literature cited by the submitters: PubMed 25589632; PubMed 23975875; PubMed 27869827; PubMed 32964742.

NM_001267550.2(TTN):c.25219C>T (p.Gln8407Ter)

Gene: TTN (titin; minus strand). Cytogenetic location: 2q31.2.
Variant type: single nucleotide variant.
Coding change: c.25219C>T on transcript NM_001267550.2 (MANE Select); coding-DNA position 25219, C replaced by T.
Protein change: p.Gln8407Ter; replaces glutamine 8407 with a stop codon.
Molecular consequence: nonsense. On other transcripts: intron variant (3).
Genome position (GRCh38, 1-based): chr2:178,717,655, G>A on the plus strand (C>T on the coding strand, the complement: TTN is on the minus strand). VCF-style: chr2-178717655-G-A. GRCh37 (hg19) VCF-style: chr2-179582382-G-A.
Other names: c.24268C>T, p.Gln8090Ter (NM_001256850.1); c.21487C>T, p.Gln7163Ter (NM_133378.4); c.13282+20427C>T (NM_003319.4); c.13858+20427C>T (NM_133437.4); c.13657+20427C>T (NM_133432.3); short protein forms Q7163*, Q8407*, Q8090*.
Identifiers: ClinVar variation 2953811 (VCV002953811.3), dbSNP rs2529217772, ClinGen allele CA349487716.